The following is an entry in ClinVar:

NM_001142864.4(PIEZO1):c.7369G>A (p.Gly2457Arg)

Gene: PIEZO1 (piezo type mechanosensitive ion channel component 1 (Er blood group); minus strand). Cytogenetic location: 16q24.3.
Variant type: single nucleotide variant.
Coding change: c.7369G>A on transcript NM_001142864.4 (MANE Select); coding-DNA position 7369, G replaced by A.
Protein change: p.Gly2457Arg; replaces glycine 2457 with arginine.
Molecular consequence: missense variant.
Genome position (GRCh38, 1-based): chr16:88,715,802, C>T on the plus strand (G>A on the coding strand, the complement: PIEZO1 is on the minus strand). VCF-style: chr16-88715802-C-T. GRCh37 (hg19) VCF-style: chr16-88782210-C-T.
Other names: c.7369G>A (NM_001142864.2, NM_001142864.3); c.5911G>A, p.Gly1971Arg (NM_014745.1); short protein forms G2457R, G1971R.
Identifiers: ClinVar variation 2192027 (VCV002192027.7), dbSNP rs747385238, ClinGen allele CA8231332.

ClinVar aggregate classification (germline): Conflicting classifications of pathogenicity. Review status: criteria provided, conflicting classifications (1 of 4 stars). 4 submissions from 4 submitters: Uncertain significance (3); Benign (1). Last evaluated 2026-03-17.

Conditions:
PIEZO1-related disorder. Also called: PIEZO1-related condition; PIEZO1-Related Disorders.
Inborn genetic diseases. Identifiers: MedGen C0950123, MeSH D030342.

Allele frequency attached by ClinVar (database versions not stated): gnomAD 0.00005; ExAC 0.00010.
gnomAD v4.1: 40 of 1,550,152 alleles (0.0026%); highest among the groups gnomAD compares: African/African-American, 0.012%; no homozygotes.

Submissions (4):

PreventionGenetics, part of Exact Sciences
Classification: Uncertain significance for PIEZO1-related condition. Last evaluated: 2026-03-17. Review status: criteria provided, single submitter. Criteria: ACMG Guidelines, 2015. Collection method: clinical testing. Allele origin: germline.
Comment: The PIEZO1 c.7369G>A variant is predicted to result in the amino acid substitution p.Gly2457Arg. To our knowledge, this variant has not been reported in the literature. This variant is reported in 0.018% of alleles in individuals of African descent in gnomAD. At this time, the clinical significance of this variant is uncertain due to the absence of conclusive functional and genetic evidence.

Ambry Genetics
Classification: Uncertain significance for Inborn genetic diseases. Last evaluated: 2024-12-31. Review status: criteria provided, single submitter. Criteria: Ambry Variant Classification Scheme 2023. Collection method: clinical testing. Allele origin: germline.

Labcorp Genetics (formerly Invitae), Labcorp
Classification: Benign. Last evaluated: 2024-09-28. Review status: criteria provided, single submitter. Criteria: Invitae Variant Classification Sherloc (09022015). Collection method: clinical testing. Allele origin: germline.

Revvity Omics, Revvity
Classification: Uncertain significance. Last evaluated: 2024-09-12. Review status: criteria provided, single submitter. Criteria: ACMG Guidelines, 2015. Collection method: clinical testing. Allele origin: germline.